The following is an entry in ClinVar:

NM_176824.3(BBS7):c.1786+1G>T

Gene: BBS7 (Bardet-Biedl syndrome 7; minus strand). Cytogenetic location: 4q27.
Variant type: single nucleotide variant.
Coding change: c.1786+1G>T on transcript NM_176824.3 (MANE Select); the canonical splice donor site of the intron after coding-DNA position 1786, G replaced by T.
Molecular consequence: splice donor variant.
Genome position (GRCh38, 1-based): chr4:121,828,618, C>A on the plus strand (G>T on the coding strand, the complement: BBS7 is on the minus strand). VCF-style: chr4-121828618-C-A. GRCh37 (hg19) VCF-style: chr4-122749773-C-A.
Other names: c.1786+1G>T (NM_018190.4).
Identifiers: ClinVar variation 576460 (VCV000576460.6), dbSNP rs1560638613, ClinGen allele CA358055499.

ClinVar aggregate classification (germline): Likely pathogenic (1 of 4 stars; one submission).

Conditions:
Bardet-Biedl syndrome (BBS). Identifiers: Orphanet 110, MedGen C0752166, MONDO:0015229.

Submission:

Labcorp Genetics (formerly Invitae), Labcorp
Classification: Likely pathogenic for Bardet-Biedl syndrome. Last evaluated: 2017-11-09. Review status: criteria provided, single submitter. Criteria: Invitae Variant Classification Sherloc (09022015). Collection method: clinical testing. Allele origin: germline.
Comment: This variant is not present in population databases (ExAC no frequency). In summary, the currently available evidence indicates that the variant is pathogenic, but additional data are needed to prove that conclusively. Therefore, this variant has been classified as Likely Pathogenic. Donor and acceptor splice site variants typically lead to a loss of protein function (PMID: 16199547), and loss-of-function variants in BBS7 are known to be pathogenic (PMID: 12567324). This variant has not been reported in the literature in individuals with BBS7-related disease. This sequence change affects a donor splice site in intron 16 of the BBS7 gene. It is expected to disrupt RNA splicing and likely results in an absent or disrupted protein product.

Literature cited by the submitters: PubMed 16199547; PubMed 12567324.